The following is an entry in ClinVar:

NM_024675.4(PALB2):c.1123C>T (p.Leu375=)

Gene: PALB2 (partner and localizer of BRCA2; minus strand). Cytogenetic location: 16p12.2.
Variant type: single nucleotide variant.
Coding change: c.1123C>T on transcript NM_024675.4 (MANE Select); coding-DNA position 1123, C replaced by T.
Protein change: p.Leu375=; no amino-acid change (leucine 375 retained).
Molecular consequence: synonymous variant.
Genome position (GRCh38, 1-based): chr16:23,635,423, G>A on the plus strand (C>T on the coding strand, the complement: PALB2 is on the minus strand). VCF-style: chr16-23635423-G-A. GRCh37 (hg19) VCF-style: chr16-23646744-G-A.
Identifiers: ClinVar variation 386627 (VCV000386627.20), dbSNP rs373298267, ClinGen allele CA16607345.

ClinVar aggregate classification (germline): Benign/Likely benign. Review status: criteria provided, multiple submitters, no conflicts (2 of 4 stars). 5 submissions from 5 submitters: Benign (1); Likely benign (4). Last evaluated 2026-01-02.

Conditions:
Hereditary cancer-predisposing syndrome. Also called: Hereditary Cancer Syndrome; Hereditary neoplastic syndrome; Neoplastic Syndromes, Hereditary; Tumor predisposition. Identifiers: Orphanet 140162, MedGen C0027672, MeSH D009386, MONDO:0015356.
Familial cancer of breast. Also called: hereditary breast carcinoma; Hereditary breast cancer; BREAST CANCER, FAMILIAL. Identifiers: Orphanet 227535, MedGen C0346153, MONDO:0016419, OMIM 114480. Disease mechanism: loss of function.

Submissions (5):

Labcorp Genetics (formerly Invitae), Labcorp
Classification: Likely benign for Familial cancer of breast. Last evaluated: 2026-01-02. Review status: criteria provided, single submitter. Criteria: Invitae Variant Classification Sherloc (09022015). Collection method: clinical testing. Allele origin: germline.

Myriad Genetics, Inc.
Classification: Benign for Familial cancer of breast. Last evaluated: 2025-01-13. Review status: criteria provided, single submitter. Criteria: Myriad Autosomal Dominant, Autosomal Recessive and X-Linked Classification Criteria (2023). Collection method: clinical testing. Allele origin: unknown.
Comment: This variant is considered benign. This variant is a silent/synonymous amino acid change and it is not expected to impact splicing.

Ambry Genetics
Classification: Likely benign for Hereditary cancer-predisposing syndrome. Last evaluated: 2019-09-27. Review status: criteria provided, single submitter. Criteria: Ambry Variant Classification Scheme 2023. Collection method: clinical testing. Allele origin: germline.

Color Diagnostics, LLC DBA Color Health
Classification: Likely benign for Hereditary cancer-predisposing syndrome. Last evaluated: 2019-06-18. Review status: criteria provided, single submitter. Criteria: ACMG Guidelines, 2015. Collection method: clinical testing. Allele origin: germline.

GeneDx
Classification: Likely benign. Last evaluated: 2016-05-24. Review status: criteria provided, single submitter. Criteria: GeneDx Variant Classification (06012015). Collection method: clinical testing. Allele origin: germline. Affected: yes.
Comment: This variant is considered likely benign or benign based on one or more of the following criteria: it is a conservative change, it occurs at a poorly conserved position in the protein, it is predicted to be benign by multiple in silico algorithms, and/or has population frequency not consistent with disease.